The following is an entry in ClinVar:

NM_194250.2(ZNF804A):c.1436A>G (p.Asp479Gly)

Gene: ZNF804A (zinc finger protein 804A; plus strand). Cytogenetic location: 2q32.1.
Variant type: single nucleotide variant.
Coding change: c.1436A>G on transcript NM_194250.2 (MANE Select); coding-DNA position 1436, A replaced by G.
Protein change: p.Asp479Gly; replaces aspartic acid 479 with glycine.
Molecular consequence: missense variant.
Genome position (GRCh38, 1-based): chr2:184,936,832, A>G. VCF-style: chr2-184936832-A-G. GRCh37 (hg19) VCF-style: chr2-185801559-A-G.
Other names: short protein forms D479G.
Identifiers: ClinVar variation 3055649 (VCV003055649.2), dbSNP rs35676856, ClinGen allele CA2015963.
Genomic context (GRCh38, chr2:184,936,832, plus strand): 5'-CTCTATGTTTTGACTTCAAGTCTACTAAAGTAAATAATAATCTAGATAAAAATAAGCCAG[A>G]CTTAAAAGATCTTTGTTCTCAGCAGAAGCAGGAAGACATTTGCATGGGACCACTTTCAGA-3'
Protein context (NP_919226.1, residues 469-489): VNNNLDKNKP[Asp479Gly]LKDLCSQQKQ

ClinVar aggregate classification (germline): Benign (0 of 4 stars; one submission).

Conditions:
ZNF804A-related disorder. Also called: ZNF804A-related condition.

Allele frequency attached by ClinVar (database versions not stated): 1000 Genomes Project 30x 0.03467; 1000 Genomes Project 0.03534; gnomAD 0.05361; TOPMed 0.05364; ExAC 0.05465; ESP Exome Variant Server 0.06029.

Submission:

PreventionGenetics, part of Exact Sciences
Classification: Benign for ZNF804A-related condition. Last evaluated: 2019-12-09. Review status: no assertion criteria provided. Collection method: clinical testing. Allele origin: germline.
Comment: This variant is classified as benign based on ACMG/AMP sequence variant interpretation guidelines (Richards et al. 2015 PMID: 25741868, with internal and published modifications).